The following is an entry in ClinVar:

ClinVar aggregate classification (germline): Uncertain significance (1 of 4 stars; one submission).

Conditions:
Vertebral, cardiac, renal, and limb defects syndrome 3. Also called: CONGENITAL NAD DEFICIENCY DISORDER 3. Identifiers: MedGen C5394250, MONDO:0030077, OMIM 618845.

gnomAD v4.1: 115 of 1,606,152 alleles (0.0072%); highest among the groups gnomAD compares: Non-Finnish European, 0.0089%; no homozygotes.

Submission:

Randwick Genomics Laboratory, Prince of Wales Hospital Sydney, Australia, New South Wales Health Pathology
Classification: Uncertain significance for Vertebral, cardiac, renal, and limb defects syndrome 3. Last evaluated: 2023-05-03. Review status: criteria provided, single submitter. Criteria: ACMG Guidelines, 2015. Collection method: clinical testing. Allele origin: inherited. Inheritance: Autosomal recessive inheritance. Affected: yes. Observed: 1 variant allele.
Comment: ÊInheritance & zygosity: Inherited; compound heterozygous. This variant is predicted decrease the efficiency of mRNA splicing at the adjacent donor site 3 bps upstream (average: -31.8%, MaxEnt: -43.6%, NNSPLICE: -40.2% and SSF: -11.7%). The spliceAI splicing prediction program also predicts disruption of mRNA splicing at that donor site (-31%). This variant has not been previously reported in the medical literature or the ClinVar database. It is present at low frequency in normal controls (gnomAD v4 (115/1,606,152 alleles; AF 0.0000716) alleles in gnomADv4) without any homozygotes which is compatible with the carrier frequency for a rare recessive disorder. ACMG categorisation, the NADSYN1:c.666+3A>T has been classified as a splice region VUS as it has the following characteristics: PM3: the variant is in trans with a known pathogenic variant; PM2_supporting: At low frequency consistent with an autosomal recessive condition; PP3_moderate: splice AI impact is 0.31. Zygosity: 1 Compound Heterozygote(s).

NM_018161.5(NADSYN1):c.666+3A>T

Gene: NADSYN1 (NAD synthetase 1; plus strand). Cytogenetic location: 11q13.4.
Variant type: single nucleotide variant.
Coding change: c.666+3A>T on transcript NM_018161.5 (MANE Select); 3 bases into the intron after coding-DNA position 666, A replaced by T.
Molecular consequence: intron variant.
Genome position (GRCh38, 1-based): chr11:71,473,689, A>T. VCF-style: chr11-71473689-A-T. GRCh37 (hg19) VCF-style: chr11-71184735-A-T.
Identifiers: ClinVar variation 4755570 (VCV004755570.1).
Genomic context (GRCh38, chr11:71,473,689, plus strand): 5'-CCAAGTGCTGCGCAAAGCCAACACCAGGGTGGATCTCGTGACTATGGTCACCAGCAAGGT[A>T]GGGGCTGGGCCAGGGAGCGTGCGCCACAGGGCAGACACTGTATCTCAAGAACTCCTGCAT-3'